The following is an entry in ClinVar:

NM_021008.4(DEAF1):c.958A>G (p.Lys320Glu)

Gene: DEAF1 (DEAF1 transcription factor; minus strand). Cytogenetic location: 11p15.5.
Variant type: single nucleotide variant.
Coding change: c.958A>G on transcript NM_021008.4 (MANE Select); coding-DNA position 958, A replaced by G.
Protein change: p.Lys320Glu; replaces lysine 320 with glutamic acid.
Molecular consequence: missense variant. On other transcripts: intron variant (1).
Genome position (GRCh38, 1-based): chr11:681,002, T>C on the plus strand (A>G on the coding strand, the complement: DEAF1 is on the minus strand). VCF-style: chr11-681002-T-C. GRCh37 (hg19) VCF-style: chr11-681002-T-C.
Other names: c.232A>G, p.Lys78Glu (NM_001367390.1, NM_001440885.1, NM_001440886.1 and 1 more transcripts); c.958A>G, p.Lys320Glu (NM_001440883.1, NM_001440884.1); c.731-1186A>G (NM_001293634.2); short protein forms K320E, K78E.
Identifiers: ClinVar variation 4767997 (VCV004767997.1).
Genomic context (GRCh38, chr11:681,002, plus strand): 5'-GCTGTGTTTTCTCAAACTCACAGGTGGTAGCCGCGGTGGCTGGAAGCAATGTGATGTTCT[T>C]GGGGGAGTCCTTCTTCACGGGAGTTGTGGGCAGTTCATTCTCCTTCTTGCGCCTTTTGTA-3'
Protein context (NP_066288.2, residues 310-330): PTTPVKKDSP[Lys320Glu]NITLLPATAA

ClinVar aggregate classification (germline): Uncertain significance (1 of 4 stars; one submission).

Submission:

Labcorp Genetics (formerly Invitae), Labcorp
Classification: Uncertain significance. Last evaluated: 2025-11-06. Review status: criteria provided, single submitter. Criteria: Invitae Variant Classification Sherloc (09022015). Collection method: clinical testing. Allele origin: germline.
Comment: This sequence change replaces lysine, which is basic and polar, with glutamic acid, which is acidic and polar, at codon 320 of the DEAF1 protein (p.Lys320Glu). This variant is not present in population databases (gnomAD no frequency). This variant has not been reported in the literature in individuals affected with DEAF1-related conditions. Invitae Evidence Modeling of protein sequence and biophysical properties (such as structural, functional, and spatial information, amino acid conservation, physicochemical variation, residue mobility, and thermodynamic stability) indicates that this missense variant is expected to disrupt DEAF1 protein function with a positive predictive value of 95%. In summary, the available evidence is currently insufficient to determine the role of this variant in disease. Therefore, it has been classified as a Variant of Uncertain Significance.